The following is an entry in ClinVar:

NM_005633.4(SOS1):c.1303A>G (p.Lys435Glu)

Gene: SOS1 (SOS Ras/Rac guanine nucleotide exchange factor 1; minus strand). Cytogenetic location: 2p22.1.
Variant type: single nucleotide variant.
Coding change: c.1303A>G on transcript NM_005633.4 (MANE Select); coding-DNA position 1303, A replaced by G.
Protein change: p.Lys435Glu; replaces lysine 435 with glutamic acid.
Molecular consequence: missense variant.
Genome position (GRCh38, 1-based): chr2:39,023,125, T>C on the plus strand (A>G on the coding strand, the complement: SOS1 is on the minus strand). VCF-style: chr2-39023125-T-C. GRCh37 (hg19) VCF-style: chr2-39250266-T-C.
Other names: c.1282A>G, p.Lys428Glu (NM_001382394.1); c.1303A>G, p.Lys435Glu (NM_001382395.1); short protein forms K428E, K435E.
Identifiers: ClinVar variation 1181716 (VCV001181716.11), dbSNP rs138920742, ClinGen allele CA45674947.

ClinVar aggregate classification (germline): Uncertain significance. Review status: criteria provided, multiple submitters, no conflicts (2 of 4 stars). 6 submissions from 5 submitters: Uncertain significance (6). Last evaluated 2025-02-12.

Conditions:
RASopathy. Also called: rasopathies; Noonan spectrum disorder. Identifiers: Orphanet 536391, MedGen C5555857, MONDO:0021060.
Noonan syndrome 4 (NS4). Also called: SOS1-Related Noonan Syndrome; NOONAN SYNDROME WITH PIGMENTED VILLONODULAR SYNOVITIS. Identifiers: Orphanet 648, MedGen C1853120, MONDO:0012547, OMIM 610733.
Fibromatosis, gingival, 1 (GINGF1). Identifiers: Orphanet 2024, MedGen C4551558, MONDO:0007609, OMIM 135300.
Cardiovascular phenotype. Identifiers: MedGen CN230736.

Allele frequency attached by ClinVar (database versions not stated): gnomAD exomes below 0.00001; TOPMed below 0.00001; gnomAD 0.00001; ESP Exome Variant Server 0.00008.
gnomAD v4.1: 7 of 1,613,374 alleles (0.00043%); highest among the groups gnomAD compares: Non-Finnish European, 0.00059%; no homozygotes.

Submissions (6):

Labcorp Genetics (formerly Invitae), Labcorp
Classification: Uncertain significance for RASopathy. Last evaluated: 2025-02-12. Review status: criteria provided, single submitter. Criteria: Invitae Variant Classification Sherloc (09022015). Collection method: clinical testing. Allele origin: germline.
Comment: This sequence change replaces lysine, which is basic and polar, with glutamic acid, which is acidic and polar, at codon 435 of the SOS1 protein (p.Lys435Glu). This variant is not present in population databases (gnomAD no frequency). This variant has not been reported in the literature in individuals affected with SOS1-related conditions. ClinVar contains an entry for this variant (Variation ID: 1181716). Invitae Evidence Modeling of protein sequence and biophysical properties (such as structural, functional, and spatial information, amino acid conservation, physicochemical variation, residue mobility, and thermodynamic stability) indicates that this missense variant is expected to disrupt SOS1 protein function with a positive predictive value of 80%. In summary, the available evidence is currently insufficient to determine the role of this variant in disease. Therefore, it has been classified as a Variant of Uncertain Significance.

Ambry Genetics
Classification: Uncertain significance for Cardiovascular phenotype. Last evaluated: 2022-08-24. Review status: criteria provided, single submitter. Criteria: Ambry Variant Classification Scheme 2023. Collection method: clinical testing. Allele origin: germline.
Comment: The p.K435E variant (also known as c.1303A>G), located in coding exon 10 of the SOS1 gene, results from an A to G substitution at nucleotide position 1303. The lysine at codon 435 is replaced by glutamic acid, an amino acid with similar properties. This amino acid position is conserved. In addition, the in silico prediction for this alteration is inconclusive. Since supporting evidence is limited at this time, the clinical significance of this alteration remains unclear.

Fulgent Genetics
Classification: Uncertain significance for Fibromatosis, gingival, 1; Noonan syndrome 4. Last evaluated: 2021-10-05. Review status: criteria provided, single submitter. Criteria: ACMG Guidelines, 2015. Collection method: clinical testing. Allele origin: unknown.

GeneDx
Classification: Uncertain significance. Last evaluated: 2021-01-14. Review status: criteria provided, single submitter. Criteria: GeneDx Variant Classification Process June 2021. Collection method: clinical testing. Allele origin: germline. Affected: yes.
Comment: Missense variants in this gene are often considered pathogenic (Stenson et al., 2014); In silico analysis supports that this missense variant has a deleterious effect on protein structure/function; Has not been previously published as pathogenic or benign to our knowledge

Genome-Nilou Lab
Classification: Uncertain significance for Noonan syndrome 4. Review status: criteria provided, single submitter. Criteria: ACMG Guidelines, 2015. Collection method: clinical testing. Allele origin: germline.

Genome-Nilou Lab
Classification: Uncertain significance for Fibromatosis, gingival, 1. Review status: criteria provided, single submitter. Criteria: ACMG Guidelines, 2015. Collection method: clinical testing. Allele origin: germline.